The following is an entry in ClinVar:

NM_033305.3(VPS13A):c.3250A>G (p.Met1084Val)

Gene: VPS13A (vacuolar protein sorting 13 homolog A; plus strand). Cytogenetic location: 9q21.2.
Variant type: single nucleotide variant.
Coding change: c.3250A>G on transcript NM_033305.3 (MANE Select); coding-DNA position 3250, A replaced by G.
Protein change: p.Met1084Val; replaces methionine 1084 with valine.
Molecular consequence: missense variant.
Genome position (GRCh38, 1-based): chr9:77,283,561, A>G. VCF-style: chr9-77283561-A-G. GRCh37 (hg19) VCF-style: chr9-79898477-A-G.
Other names: c.3133A>G, p.Met1045Val (NM_001018037.2); c.3250A>G, p.Met1084Val (NM_001018038.3, NM_015186.4); short protein forms M1045V, M1084V.
Identifiers: ClinVar variation 913893 (VCV000913893.11), dbSNP rs368157358, ClinGen allele CA5092206.
Genomic context (GRCh38, chr9:77,283,561, plus strand): 5'-AAGACATTAAATGAAAGAAAAGGCAGTCATTCTTTTGTTCCCTTAGGGCTTGATTCTGAG[A>G]TGATTATGAGGCCTTCAGAAACTGAAATAAACGCAAAGCTAAGGAATATAATTGTTTTAG-3'
Protein context (NP_150648.2, residues 1074-1094): EIKIEGLDSE[Met1084Val]IMRPSETEIN

ClinVar aggregate classification (germline): Uncertain significance. Review status: criteria provided, multiple submitters, no conflicts (2 of 4 stars). 3 submissions from 3 submitters: Uncertain significance (3). Last evaluated 2024-10-22.

Conditions:
VPS13A-related neurodegenerative disease. Also called: Choreoacanthocytosis; Chorea-acanthocytosis; Choreaacanthocytosis; LEVINE-CRITCHLEY SYNDROME; VPS13A Disease; ACANTHOCYTOSIS WITH NEUROLOGIC DISORDER. Identifiers: Orphanet 2388, MedGen C0393576, MONDO:0008695, OMIM 200150.

Allele frequency attached by ClinVar (database versions not stated): gnomAD 0.00001; TOPMed 0.00001; gnomAD exomes 0.00002 and 0.00003; ExAC 0.00003; ESP Exome Variant Server 0.00008.

Submissions (3):

Labcorp Genetics (formerly Invitae), Labcorp
Classification: Uncertain significance. Last evaluated: 2024-10-22. Review status: criteria provided, single submitter. Criteria: Invitae Variant Classification Sherloc (09022015). Collection method: clinical testing. Allele origin: germline.
Comment: This sequence change replaces methionine, which is neutral and non-polar, with valine, which is neutral and non-polar, at codon 1084 of the VPS13A protein (p.Met1084Val). This variant is present in population databases (rs368157358, gnomAD 0.009%). This variant has not been reported in the literature in individuals affected with VPS13A-related conditions. ClinVar contains an entry for this variant (Variation ID: 913893). An algorithm developed to predict the effect of missense changes on protein structure and function outputs the following: PolyPhen-2: "Benign". The valine amino acid residue is found in multiple mammalian species, which suggests that this missense change does not adversely affect protein function. In summary, the available evidence is currently insufficient to determine the role of this variant in disease. Therefore, it has been classified as a Variant of Uncertain Significance.

Blueprint Genetics
Classification: Uncertain significance. Last evaluated: 2022-08-01. Review status: criteria provided, single submitter. Criteria: ACMG Guidelines, 2015. Collection method: clinical testing. Allele origin: germline.

Illumina Laboratory Services, Illumina
Classification: Uncertain significance for VPS13A-related neurodegenerative disease. Last evaluated: 2018-01-13. Review status: criteria provided, single submitter. Criteria: ICSL Variant Classification Criteria 13 December 2019. Collection method: clinical testing. Allele origin: germline.